The following is an entry in ClinVar:

ClinVar aggregate classification (germline): Likely pathogenic. Review status: criteria provided, multiple submitters, no conflicts (2 of 4 stars). 2 submissions from 2 submitters: Likely pathogenic (2). Last evaluated 2022-08-10.

Conditions:
DUOX2-related disorders.
Thyroid dyshormonogenesis 6 (TDH6). Also called: HYPOTHYROIDISM, CONGENITAL, DUE TO DYSHORMONOGENESIS, 6; THYROID HORMONOGENESIS, GENETIC DEFECT IN, 6; Genetic transient congenital hypothyroidism. Identifiers: Orphanet 226316, Orphanet 95716, MedGen C1846632, MONDO:0011792, OMIM 607200.

Submissions (2):

Blueprint Genetics
Classification: Likely pathogenic for DUOX2-related disorders. Last evaluated: 2022-08-10. Review status: criteria provided, single submitter. Criteria: ACMG Guidelines, 2015. Collection method: clinical testing. Allele origin: germline. Affected: yes. Observed: 1 variant allele.

3billion
Classification: Likely pathogenic for Thyroid dyshormonogenesis 6. Last evaluated: 2022-05-22. Review status: criteria provided, single submitter. Criteria: ACMG Guidelines, 2015. Collection method: clinical testing. Allele origin: germline. Affected: yes. Observed: 1 heterozygote.
Comment: The variant is not observed in the gnomAD v2.1.1 dataset. Frameshift: predicted to result in a loss or disruption of normal protein function through nonsense-mediated decay (NMD) or protein truncation. Multiple pathogenic variants are reported downstream of the variant. Therefore, this variant is classified as likely pathogenic according to the recommendation of ACMG/AMP guideline.

NM_001363711.2(DUOX2):c.3264_3267del (p.Val1090fs)

Gene: DUOX2 (dual oxidase 2; minus strand). Cytogenetic location: 15q21.1.
Variant type: Deletion.
Coding change: c.3264_3267del on transcript NM_001363711.2 (MANE Select); coding-DNA positions 3264 to 3267, 4 bases deleted (CAGC; older notation c.3264_3267delCAGC).
Protein change: p.Val1090fs; shifts the reading frame from valine 1090.
Molecular consequence: frameshift variant.
Genome position (GRCh38, 1-based): chr15:45,099,810-45,099,813, GCTG deleted on the plus strand (CAGC on the coding strand, the reverse complement: DUOX2 is on the minus strand); deleting any 4 consecutive bases within chr15:45,099,810-45,099,815 gives the same sequence; the c. name uses the placement nearest the transcript's 3' end. VCF-style (leftmost placement, unchanged base first): chr15-45099809-CGCTG-C. GRCh37 (hg19) VCF-style: chr15-45392007-CGCTG-C.
Other names: c.3264_3267del, p.Val1090fs (NM_014080.5); short protein forms V1090fs.
Identifiers: ClinVar variation 1687512 (VCV001687512.2), dbSNP rs2141144285, ClinGen allele CA2573150887.
Genomic context (GRCh38, chr15:45,099,809, plus strand): 5'-GCAGGAAGGTTATGAGGTTGCGGCACATGGTGAGCAAGATATAAGAGAACATGAAGGAGA[CGCTG>C]GCCGCCGTGCCTCGTGACAGGATGATGCCCACGAGGGTGGTCTGTGCAATGTCCGAGGGT-3'